The following is an entry in ClinVar:

NM_001457.4(FLNB):c.7452_7453dup (p.Thr2485fs)

Genes: FLNB (filamin B; plus strand), FLNB-AS1 (FLNB antisense RNA 1; minus strand). Cytogenetic location: 3p14.3.
Variant type: Microsatellite.
Coding change: c.7452_7453dup on transcript NM_001457.4 (MANE Select); coding-DNA positions 7452 to 7453, 2 bases duplicated (GA; older notation c.7452_7453dupGA).
Protein change: p.Thr2485fs; shifts the reading frame from threonine 2485.
Molecular consequence: frameshift variant.
Genome position (GRCh38, 1-based): chr3:58,169,624-58,169,625, GA duplicated; duplicating any 2 consecutive bases within chr3:58,169,622-58,169,625 gives the same sequence; the c. name uses the placement nearest the transcript's 3' end. VCF-style (leftmost placement, unchanged base first): chr3-58169621-C-CGA. GRCh37 (hg19) VCF-style: chr3-58155348-C-CGA.
Other names: c.7545_7546dup, p.Thr2516fs (NM_001164317.2); c.7419_7420dup, p.Thr2474fs (NM_001164318.2); c.7380_7381dup, p.Thr2461fs (NM_001164319.2); short protein forms T2516fs, T2485fs, T2461fs, T2474fs.
Identifiers: ClinVar variation 4731903 (VCV004731903.1).

ClinVar aggregate classification (germline): Pathogenic (1 of 4 stars; one submission).

Submission:

Labcorp Genetics (formerly Invitae), Labcorp
Classification: Pathogenic. Last evaluated: 2025-12-02. Review status: criteria provided, single submitter. Criteria: Invitae Variant Classification Sherloc (09022015). Collection method: clinical testing. Allele origin: germline.
Comment: This sequence change creates a premature translational stop signal (p.Thr2485Argfs*10) in the FLNB gene. It is expected to result in an absent or disrupted protein product. Loss-of-function variants in FLNB are known to be pathogenic (PMID: 14991055). This variant is not present in population databases (gnomAD no frequency). This variant has not been reported in the literature in individuals affected with FLNB-related conditions. For these reasons, this variant has been classified as Pathogenic.

Literature cited by the submitters: PubMed 14991055.